The following is an entry in ClinVar:

NM_152564.5(VPS13B):c.3106G>A (p.Val1036Ile)

Gene: VPS13B (vacuolar protein sorting 13 homolog B; plus strand). Cytogenetic location: 8q22.2.
Variant type: single nucleotide variant.
Coding change: c.3106G>A on transcript NM_152564.5 (MANE Select); coding-DNA position 3106, G replaced by A.
Protein change: p.Val1036Ile; replaces valine 1036 with isoleucine.
Molecular consequence: missense variant.
Genome position (GRCh38, 1-based): chr8:99,431,560, G>A. VCF-style: chr8-99431560-G-A. GRCh37 (hg19) VCF-style: chr8-100443788-G-A.
Other names: c.3106G>A (NM_017890.3); c.3106G>A, p.Val1036Ile (NM_017890.5); short protein forms V1036I.
Identifiers: ClinVar variation 837399 (VCV000837399.7), dbSNP rs745742179, ClinGen allele CA4823175.

ClinVar aggregate classification (germline): Uncertain significance. Review status: criteria provided, multiple submitters, no conflicts (2 of 4 stars). 3 submissions from 3 submitters: Uncertain significance (2). 1 of the submissions does not count toward it. Last evaluated 2025-04-07.

Conditions:
Inborn genetic diseases. Identifiers: MedGen C0950123, MeSH D030342.
Cohen syndrome (COH1). Also called: Cutis verticis gyrata, retinitis pigmentosa, and sensorineural deafness; PEPPER SYNDROME. Identifiers: Orphanet 193, MedGen C0265223, MONDO:0008999, OMIM 216550.

Allele frequency attached by ClinVar (database versions not stated): gnomAD 0.00001; ExAC 0.00002; gnomAD exomes 0.00002.
gnomAD v4.1: 11 of 1,613,440 alleles (0.00068%); highest among the groups gnomAD compares: East Asian, 0.0067%; no homozygotes.

Submissions (3):

Labcorp Genetics (formerly Invitae), Labcorp
Classification: Uncertain significance for Cohen syndrome. Last evaluated: 2025-04-07. Review status: criteria provided, single submitter. Criteria: Invitae Variant Classification Sherloc (09022015). Collection method: clinical testing. Allele origin: germline.
Comment: This sequence change replaces valine, which is neutral and non-polar, with isoleucine, which is neutral and non-polar, at codon 1036 of the VPS13B protein (p.Val1036Ile). This variant is present in population databases (rs745742179, gnomAD 0.01%). This variant has not been reported in the literature in individuals affected with VPS13B-related conditions. ClinVar contains an entry for this variant (Variation ID: 837399). Invitae Evidence Modeling of protein sequence and biophysical properties (such as structural, functional, and spatial information, amino acid conservation, physicochemical variation, residue mobility, and thermodynamic stability) indicates that this missense variant is not expected to disrupt VPS13B protein function with a negative predictive value of 80%. In summary, the available evidence is currently insufficient to determine the role of this variant in disease. Therefore, it has been classified as a Variant of Uncertain Significance.

Ambry Genetics
Classification: Uncertain significance for Inborn genetic diseases. Last evaluated: 2024-05-30. Review status: criteria provided, single submitter. Criteria: Ambry Variant Classification Scheme 2023. Collection method: clinical testing. Allele origin: germline.

Natera, Inc.
Classification: Uncertain significance for Cohen syndrome. Last evaluated: 2020-03-11. Review status: no assertion criteria provided. Collection method: clinical testing. Allele origin: germline. Not counted in ClinVar's aggregate classification.